The following is an entry in ClinVar:

ClinVar aggregate classification (germline): Conflicting classifications of pathogenicity. Review status: criteria provided, conflicting classifications (1 of 4 stars). 2 submissions from 2 submitters: Uncertain significance (1); Likely benign (1). Last evaluated 2025-12-23.

Conditions:
Primary ciliary dyskinesia. Also called: Ciliary dyskinesia. Identifiers: Orphanet 244, MedGen C0008780, MONDO:0016575, HP:0012265.

Allele frequency attached by ClinVar (database versions not stated): ExAC 0.00002; gnomAD exomes 0.00002; 1000 Genomes Project 30x 0.00031; 1000 Genomes Project 0.00040.
gnomAD v4.1: 42 of 1,613,130 alleles (0.0026%); highest among the groups gnomAD compares: Non-Finnish European, 0.0035%; no homozygotes.

Submissions (2):

Labcorp Genetics (formerly Invitae), Labcorp
Classification: Uncertain significance for Primary ciliary dyskinesia. Last evaluated: 2025-12-23. Review status: criteria provided, single submitter. Criteria: Invitae Variant Classification Sherloc (09022015). Collection method: clinical testing. Allele origin: germline.
Comment: This sequence change replaces arginine, which is basic and polar, with lysine, which is basic and polar, at codon 4482 of the DNAH11 protein (p.Arg4482Lys). This variant is present in population databases (rs191791959, gnomAD 0.003%). This variant has not been reported in the literature in individuals affected with DNAH11-related conditions. ClinVar contains an entry for this variant (Variation ID: 568202). Invitae Evidence Modeling of protein sequence and biophysical properties (such as structural, functional, and spatial information, amino acid conservation, physicochemical variation, residue mobility, and thermodynamic stability) indicates that this missense variant is not expected to disrupt DNAH11 protein function with a negative predictive value of 95%. In summary, the available evidence is currently insufficient to determine the role of this variant in disease. Therefore, it has been classified as a Variant of Uncertain Significance.

Ambry Genetics
Classification: Likely benign for Primary ciliary dyskinesia. Last evaluated: 2025-08-30. Review status: criteria provided, single submitter. Criteria: Ambry Variant Classification Scheme 2023. Collection method: clinical testing. Allele origin: germline.

NM_001277115.2(DNAH11):c.13445G>A (p.Arg4482Lys)

Genes: CDCA7L (cell division cycle associated 7 like; minus strand), DNAH11 (dynein axonemal heavy chain 11; plus strand). Cytogenetic location: 7p15.3.
Variant type: single nucleotide variant.
Coding change: c.13445G>A on transcript NM_001277115.2 (MANE Select); coding-DNA position 13445, G replaced by A.
Protein change: p.Arg4482Lys; replaces arginine 4482 with lysine.
Molecular consequence: missense variant. On other transcripts: 3 prime UTR variant (3).
Genome position (GRCh38, 1-based): chr7:21,901,148, G>A. VCF-style: chr7-21901148-G-A. GRCh37 (hg19) VCF-style: chr7-21940766-G-A.
Other names: c.*1174C>T (NM_001127370.3, NM_001127371.3, NM_018719.5); short protein forms R4482K.
Identifiers: ClinVar variation 568202 (VCV000568202.3), dbSNP rs191791959, ClinGen allele CA4183494.